The following is an entry in ClinVar:

NM_000059.4(BRCA2):c.515_516delinsC (p.Lys172fs)

Gene: BRCA2 (BRCA2 DNA repair associated; plus strand). Cytogenetic location: 13q13.1.
Variant type: Indel.
Coding change: c.515_516delinsC on transcript NM_000059.4 (MANE Select); coding-DNA positions 515 to 516, AG replaced by C.
Protein change: p.Lys172fs; shifts the reading frame from lysine 172.
Molecular consequence: frameshift variant. On other transcripts: non-coding transcript variant (1).
Genome position (GRCh38, 1-based): chr13:32,326,281-32,326,282, AG replaced by C. VCF-style: chr13-32326281-AG-C. GRCh37 (hg19) VCF-style: chr13-32900418-AG-C.
Other names: c.515_516delinsC, p.Lys172fs (NM_001406719.1, NM_001406720.1, NM_001406721.1 and 1 more transcripts); c.146_147delinsC, p.Lys49fs (NM_001406722.1); short protein forms K172fs, K49fs.
Identifiers: ClinVar variation 3904750 (VCV003904750.1).
Genomic context (GRCh38, chr13:32,326,281, plus strand): 5'-TTCCCCTTTTTTTACCCCCAGTGGTATGTGGGAGTTTGTTTCATACACCAAAGTTTGTGA[AG>C]GTAAATATTCTACCTGGTTTATTTTTATGACTTAGTAATTGAGAATTTGACAATAGCGTT-3'

ClinVar aggregate classification (germline): Pathogenic (1 of 4 stars; one submission).

Conditions:
Breast-ovarian cancer, familial, susceptibility to, 2 (BROVCA2). Also called: BRCA2 Hereditary Breast and Ovarian Cancer. Identifiers: Orphanet 145, MedGen C2675520, MONDO:0012933, OMIM 612555. Disease mechanism: loss of function.

Submission:

Myriad Genetics, Inc.
Classification: Pathogenic for Breast-ovarian cancer, familial, susceptibility to, 2. Last evaluated: 2025-03-21. Review status: criteria provided, single submitter. Criteria: Myriad Autosomal Dominant, Autosomal Recessive and X-Linked Classification Criteria (2023). Collection method: clinical testing. Allele origin: unknown.
Comment: This variant is considered pathogenic. This variant creates a frameshift predicted to result in premature protein truncation.